The following is an entry in ClinVar:

ClinVar aggregate classification (germline): Uncertain significance (1 of 4 stars; one submission).

Allele frequency attached by ClinVar (database versions not stated): gnomAD exomes below 0.00001; TOPMed below 0.00001; gnomAD 0.00001.

Submission:

GeneDx
Classification: Uncertain significance. Last evaluated: 2022-03-08. Review status: criteria provided, single submitter. Criteria: GeneDx Variant Classification Process June 2021. Collection method: clinical testing. Allele origin: germline. Affected: yes.
Comment: Not observed at significant frequency in large population cohorts (gnomAD); In silico analysis supports that this missense variant does not alter protein structure/function; Has not been previously published as pathogenic or benign to our knowledge

NM_006012.4(CLPP):c.85C>T (p.Pro29Ser)

Gene: CLPP (caseinolytic mitochondrial matrix peptidase proteolytic subunit; plus strand). Cytogenetic location: 19p13.3.
Variant type: single nucleotide variant.
Coding change: c.85C>T on transcript NM_006012.4 (MANE Select); coding-DNA position 85, C replaced by T.
Protein change: p.Pro29Ser; replaces proline 29 with serine.
Molecular consequence: missense variant.
Genome position (GRCh38, 1-based): chr19:6,361,659, C>T. VCF-style: chr19-6361659-C-T. GRCh37 (hg19) VCF-style: chr19-6361670-C-T.
Other names: short protein forms P29S.
Identifiers: ClinVar variation 1705010 (VCV001705010.2), dbSNP rs780495752, ClinGen allele CA9122776.